The following is an entry in ClinVar:

NM_001330260.2(SCN8A):c.4771G>A (p.Val1591Met)

Gene: SCN8A (sodium voltage-gated channel alpha subunit 8; plus strand). Cytogenetic location: 12q13.13.
Variant type: single nucleotide variant.
Coding change: c.4771G>A on transcript NM_001330260.2 (MANE Select); coding-DNA position 4771, G replaced by A.
Protein change: p.Val1591Met; replaces valine 1591 with methionine.
Molecular consequence: missense variant.
Genome position (GRCh38, 1-based): chr12:51,794,617, G>A. VCF-style: chr12-51794617-G-A. GRCh37 (hg19) VCF-style: chr12-52188401-G-A.
Other names: c.4648G>A, p.Val1550Met (NM_001177984.3, NM_001369788.1); c.4771G>A, p.Val1591Met (NM_014191.4); short protein forms V1591M, V1550M.
Identifiers: ClinVar variation 623810 (VCV000623810.50), dbSNP rs1565929209, ClinGen allele CA384879335.

ClinVar aggregate classification (germline): Uncertain significance. Review status: criteria provided, multiple submitters, no conflicts (2 of 4 stars). 2 submissions from 2 submitters: Uncertain significance (2). Last evaluated 2022-12-02.

Conditions:
Early-infantile DEE. Also called: Early infantile epileptic encephalopathy; Ohtahara syndrome; Early infantile epileptic encephalopathy with suppression bursts. Identifiers: Orphanet 1934, MedGen C0393706, MONDO:0800491.

Allele frequency attached by ClinVar (database versions not stated): gnomAD exomes below 0.00001.
gnomAD v4.1: 4 of 1,613,918 alleles (0.00025%); highest among the groups gnomAD compares: Non-Finnish European, 0.00034%; no homozygotes.

Submissions (2):

Labcorp Genetics (formerly Invitae), Labcorp
Classification: Uncertain significance for Early-infantile DEE. Last evaluated: 2022-12-02. Review status: criteria provided, single submitter. Criteria: Invitae Variant Classification Sherloc (09022015). Collection method: clinical testing. Allele origin: germline.
Comment: In summary, the available evidence is currently insufficient to determine the role of this variant in disease. Therefore, it has been classified as a Variant of Uncertain Significance. Algorithms developed to predict the effect of sequence changes on RNA splicing suggest that this variant may create or strengthen a splice site. Advanced modeling of protein sequence and biophysical properties (such as structural, functional, and spatial information, amino acid conservation, physicochemical variation, residue mobility, and thermodynamic stability) performed at Invitae indicates that this missense variant is expected to disrupt SCN8A protein function. ClinVar contains an entry for this variant (Variation ID: 623810). This variant has not been reported in the literature in individuals affected with SCN8A-related conditions. This variant is not present in population databases (gnomAD no frequency). This sequence change replaces valine, which is neutral and non-polar, with methionine, which is neutral and non-polar, at codon 1591 of the SCN8A protein (p.Val1591Met).

CeGaT Center for Human Genetics Tuebingen
Classification: Uncertain significance. Last evaluated: 2018-07-01. Review status: criteria provided, single submitter. Criteria: CeGaT Center For Human Genetics Tuebingen Variant Classification Criteria Version 2. Collection method: clinical testing. Allele origin: germline. Affected: yes. Observed: 1 variant allele.